The following is an entry in ClinVar:

NM_000482.4(APOA4):c.160C>T (p.Leu54Phe)

Gene: APOA4 (apolipoprotein A4; minus strand). Cytogenetic location: 11q23.3.
Variant type: single nucleotide variant.
Coding change: c.160C>T on transcript NM_000482.4 (MANE Select); coding-DNA position 160, C replaced by T.
Protein change: p.Leu54Phe; replaces leucine 54 with phenylalanine.
Molecular consequence: missense variant.
Genome position (GRCh38, 1-based): chr11:116,822,675, G>A on the plus strand (C>T on the coding strand, the complement: APOA4 is on the minus strand). VCF-style: chr11-116822675-G-A. GRCh37 (hg19) VCF-style: chr11-116693391-G-A.
Other names: short protein forms L54F.
Identifiers: ClinVar variation 4702802 (VCV004702802.1).

ClinVar aggregate classification (germline): Uncertain significance (1 of 4 stars; one submission).

Submission:

Labcorp Genetics (formerly Invitae), Labcorp
Classification: Uncertain significance. Last evaluated: 2025-12-03. Review status: criteria provided, single submitter. Criteria: Invitae Variant Classification Sherloc (09022015). Collection method: clinical testing. Allele origin: germline.
Comment: This sequence change replaces leucine, which is neutral and non-polar, with phenylalanine, which is neutral and non-polar, at codon 54 of the APOA4 protein (p.Leu54Phe). This variant is not present in population databases (gnomAD no frequency). This variant has not been reported in the literature in individuals affected with APOA4-related conditions. An algorithm developed to predict the effect of missense changes on protein structure and function outputs the following: PolyPhen-2: "Possibly Damaging". The phenylalanine amino acid residue is found in multiple mammalian species, which suggests that this missense change does not adversely affect protein function. In summary, the available evidence is currently insufficient to determine the role of this variant in disease. Therefore, it has been classified as a Variant of Uncertain Significance.